The following is an entry in ClinVar:

NM_198904.4(GABRG2):c.328-1G>A

Gene: GABRG2 (gamma-aminobutyric acid type A receptor subunit gamma2; plus strand). Cytogenetic location: 5q34.
Variant type: single nucleotide variant.
Coding change: c.328-1G>A on transcript NM_198904.4 (MANE Select); the canonical splice acceptor site of the intron before coding-DNA position 328, G replaced by A.
Molecular consequence: splice acceptor variant. On other transcripts: intron variant (2).
Genome position (GRCh38, 1-based): chr5:162,097,637, G>A. VCF-style: chr5-162097637-G-A. GRCh37 (hg19) VCF-style: chr5-161524643-G-A.
Other names: c.43-1G>A (NM_001375349.1); c.328-1G>A (NM_001375343.1, NM_001375344.1, NM_001375340.1 and 4 more transcripts); c.-31-63G>A (NM_001375350.1, NM_001375348.1); c.319-1G>A (NM_001375339.1); c.262-1G>A (NM_001375346.1, NM_001375345.1); c.241-1G>A (NM_001375347.1).
Identifiers: ClinVar variation 1993301 (VCV001993301.4), dbSNP rs2113324886, ClinGen allele CA362183642.

ClinVar aggregate classification (germline): Likely pathogenic (1 of 4 stars; one submission).

Conditions:
EPILEPSY, CHILDHOOD ABSENCE, SUSCEPTIBILITY TO, 2 (ECA2). Identifiers: Orphanet 64280, MedGen C1843244, OMIM 607681.
Febrile seizures, familial, 8 (FEB8). Also called: CONVULSIONS, FAMILIAL FEBRILE, 8. Identifiers: Orphanet 36387, MedGen C1969810, MONDO:0011891, OMIM 607681.

Submission:

Labcorp Genetics (formerly Invitae), Labcorp
Classification: Likely pathogenic for Febrile seizures, familial, 8; EPILEPSY, CHILDHOOD ABSENCE, SUSCEPTIBILITY TO, 2. Last evaluated: 2022-09-07. Review status: criteria provided, single submitter. Criteria: Invitae Variant Classification Sherloc (09022015). Collection method: clinical testing. Allele origin: germline.
Comment: Algorithms developed to predict the effect of sequence changes on RNA splicing suggest that this variant may disrupt the consensus splice site. This variant has not been reported in the literature in individuals affected with GABRG2-related conditions. This variant is not present in population databases (gnomAD no frequency). This sequence change affects an acceptor splice site in intron 3 of the GABRG2 gene. It is expected to disrupt RNA splicing. Variants that disrupt the donor or acceptor splice site typically lead to a loss of protein function (PMID: 16199547), and loss-of-function variants in GABRG2 are known to be pathogenic (PMID: 22539854, 22750526, 24407264). In summary, the currently available evidence indicates that the variant is pathogenic, but additional data are needed to prove that conclusively. Therefore, this variant has been classified as Likely Pathogenic.

Literature cited by the submitters: PubMed 16199547; PubMed 22539854; PubMed 22750526; PubMed 24407264.